The following is an entry in ClinVar:

NM_000313.4(PROS1):c.346+5G>A

Gene: PROS1 (protein S; minus strand). Cytogenetic location: 3q11.1.
Variant type: single nucleotide variant.
Coding change: c.346+5G>A on transcript NM_000313.4 (MANE Select); 5 bases into the intron after coding-DNA position 346, G replaced by A.
Molecular consequence: intron variant.
Genome position (GRCh38, 1-based): chr3:93,910,614, C>T on the plus strand (G>A on the coding strand, the complement: PROS1 is on the minus strand). VCF-style: chr3-93910614-C-T. GRCh37 (hg19) VCF-style: chr3-93629458-C-T.
Other names: c.346+5G>A (NM_000313.3); c.442+5G>A (NM_001314077.2).
Identifiers: ClinVar variation 1440536 (VCV001440536.9), dbSNP rs865991206, ClinGen allele CA78494116.
Genomic context (GRCh38, chr3:93,910,614, plus strand): 5'-CCATGGGTGTACTTTACCTACAGAGTTTTTGTTTTGTTTTTTCAATTGATGGTAGAAGTG[C>T]TTACCATTGACACAGCTTCTTAGGTCAGGATAAGCATTAGTTGACTGACGTGCAGCAGTG-3'

ClinVar aggregate classification (germline): Uncertain significance. Review status: criteria provided, single submitter (1 of 4 stars). 2 submissions from 2 submitters: Uncertain significance (1). 1 of the submissions does not count toward it. Last evaluated 2026-01-12.

Conditions:
Thrombophilia due to protein S deficiency, autosomal recessive (THPH6). Identifiers: Orphanet 743, MedGen C3281092, MONDO:0013791, OMIM 614514. Disease mechanism: loss of function.
PROS1-related disorder. Also called: PROS1-related condition.

Allele frequency attached by ClinVar (database versions not stated): gnomAD exomes below 0.00001 and 0.00003; TOPMed 0.00002; gnomAD 0.00003 and 0.00004.
gnomAD v4.1: 23 of 1,606,244 alleles (0.0014%); highest among the groups gnomAD compares: Non-Finnish European, 0.0018%; no homozygotes.

Submissions (2):

Labcorp Genetics (formerly Invitae), Labcorp
Classification: Uncertain significance for Thrombophilia due to protein S deficiency, autosomal recessive. Last evaluated: 2026-01-12. Review status: criteria provided, single submitter. Criteria: Invitae Variant Classification Sherloc (09022015). Collection method: clinical testing. Allele origin: germline.
Comment: This sequence change falls in intron 4 of the PROS1 gene. It does not directly change the encoded amino acid sequence of the PROS1 protein. It affects a nucleotide within the consensus splice site. This variant is present in population databases (no rsID available, gnomAD 0.003%). This variant has been observed in individual(s) with clinical features of protein S deficiency (PMID: 26466767). ClinVar contains an entry for this variant (Variation ID: 1440536). Variants that disrupt the consensus splice site are a relatively common cause of aberrant splicing (PMID: 17576681, 9536098). Algorithms developed to predict the effect of sequence changes on RNA splicing suggest that this variant may disrupt the consensus splice site. In summary, the available evidence is currently insufficient to determine the role of this variant in disease. Therefore, it has been classified as a Variant of Uncertain Significance.

PreventionGenetics, part of Exact Sciences
Classification: Uncertain significance for PROS1-related condition. Last evaluated: 2024-07-07. Review status: no assertion criteria provided. Collection method: clinical testing. Allele origin: germline. Not counted in ClinVar's aggregate classification.
Comment: The PROS1 c.346+5G>A variant is predicted to interfere with splicing. This variant is predicted to impact splicing at the donor splice site; however, this is based on available splicing prediction programs and has not been functionally validated (SpliceAI, Jaganathan et al. 2019. PubMed ID: 30661751). This variant has been reported in a cohort study with protein S deficiency (Alhenc-Gelas et al. 2015. PubMed ID: 26466767). This variant has not been reported in the literature. This variant is reported in 0.0028% of alleles in individuals of Latino descent in gnomAD. At this time, the clinical significance of this variant is uncertain due to the absence of conclusive functional and genetic evidence.

Literature cited by the submitters: PubMed 26466767 (cited by Labcorp Genetics (formerly Invitae), Labcorp); PubMed 17576681 (cited by Labcorp Genetics (formerly Invitae), Labcorp); PubMed 9536098 (cited by Labcorp Genetics (formerly Invitae), Labcorp).